The following is an entry in ClinVar:

ClinVar aggregate classification (germline): Uncertain significance (1 of 4 stars; one submission).

Submission:

Ambry Genetics
Classification: Uncertain significance. Last evaluated: 2024-04-26. Review status: criteria provided, single submitter. Criteria: Ambry Variant Classification Scheme 2023. Collection method: clinical testing. Allele origin: germline.
Comment: The p.L662F variant (also known as c.1986A>T), located in coding exon 1 of the MLH3 gene, results from an A to T substitution at nucleotide position 1986. The leucine at codon 662 is replaced by phenylalanine, an amino acid with highly similar properties. This amino acid position is conserved. In addition, this alteration is predicted to be tolerated by in silico analysis. Based on the available evidence, the clinical significance of this variant remains unclear.

NM_001040108.2(MLH3):c.1986A>T (p.Leu662Phe)

Gene: MLH3 (mutL homolog 3; minus strand). Cytogenetic location: 14q24.3.
Variant type: single nucleotide variant.
Coding change: c.1986A>T on transcript NM_001040108.2 (MANE Select); coding-DNA position 1986, A replaced by T.
Protein change: p.Leu662Phe; replaces leucine 662 with phenylalanine.
Molecular consequence: missense variant.
Genome position (GRCh38, 1-based): chr14:75,047,670, T>A on the plus strand (A>T on the coding strand, the complement: MLH3 is on the minus strand). VCF-style: chr14-75047670-T-A. GRCh37 (hg19) VCF-style: chr14-75514373-T-A.
Other names: c.1986A>T, p.Leu662Phe (NM_014381.3); short protein forms L662F.
Identifiers: ClinVar variation 3295122 (VCV003295122.1).